The following is an entry in ClinVar:

NM_001330588.2(TPP2):c.2402G>A (p.Ser801Asn)

Gene: TPP2 (tripeptidyl peptidase 2; plus strand). Cytogenetic location: 13q33.1.
Variant type: single nucleotide variant.
Coding change: c.2402G>A on transcript NM_001330588.2 (MANE Select); coding-DNA position 2402, G replaced by A.
Protein change: p.Ser801Asn; replaces serine 801 with asparagine.
Molecular consequence: missense variant. On other transcripts: non-coding transcript variant (1).
Genome position (GRCh38, 1-based): chr13:102,646,302, G>A. VCF-style: chr13-102646302-G-A. GRCh37 (hg19) VCF-style: chr13-103298652-G-A.
Other names: p.Ser801Asn; c.2402G>A, p.Ser801Asn (NM_001367947.1, NM_003291.4); short protein forms S801N.
Identifiers: ClinVar variation 857859 (VCV000857859.8), dbSNP rs140329690, ClinGen allele CA7038012.

ClinVar aggregate classification (germline): Uncertain significance. Review status: criteria provided, multiple submitters, no conflicts (2 of 4 stars). 3 submissions from 3 submitters: Uncertain significance (3). Last evaluated 2024-11-11.

Conditions:
Evans syndrome, immunodeficiency, and premature immunosenescence associated with tripeptidyl-peptidase II deficiency. Identifiers: MedGen CN231723. Disease mechanism: loss of function.
Immunodeficiency 78 with autoimmunity and developmental delay. Also called: TPP2 deficiency. Identifiers: MedGen C5543159, MONDO:0030971, OMIM 619220.

Allele frequency attached by ClinVar (database versions not stated): ExAC 0.00007; gnomAD 0.00010 and 0.00011; gnomAD exomes 0.00010 and 0.00023; TOPMed 0.00010; ESP Exome Variant Server 0.00015.
gnomAD v4.1: 345 of 1,612,060 alleles (0.021%); highest among the groups gnomAD compares: Non-Finnish European, 0.028%; no homozygotes.

Submissions (3):

Labcorp Genetics (formerly Invitae), Labcorp
Classification: Uncertain significance for Evans syndrome, immunodeficiency, and premature immunosenescence associated with tripeptidyl-peptidase II deficiency. Last evaluated: 2024-11-11. Review status: criteria provided, single submitter. Criteria: Invitae Variant Classification Sherloc (09022015). Collection method: clinical testing. Allele origin: germline.
Comment: This sequence change replaces serine, which is neutral and polar, with asparagine, which is neutral and polar, at codon 801 of the TPP2 protein (p.Ser801Asn). This variant is present in population databases (rs140329690, gnomAD 0.02%). This variant has not been reported in the literature in individuals affected with TPP2-related conditions. ClinVar contains an entry for this variant (Variation ID: 857859). An algorithm developed to predict the effect of missense changes on protein structure and function outputs the following: PolyPhen-2: "Benign". The asparagine amino acid residue is found in multiple mammalian species, which suggests that this missense change does not adversely affect protein function. In summary, the available evidence is currently insufficient to determine the role of this variant in disease. Therefore, it has been classified as a Variant of Uncertain Significance.

Mayo Clinic Laboratories, Mayo Clinic
Classification: Uncertain significance. Last evaluated: 2024-09-04. Review status: criteria provided, single submitter. Criteria: ACMG Guidelines, 2015. Collection method: clinical testing. Allele origin: germline. Observed: 1 variant allele.
Comment: BP4

Fulgent Genetics
Classification: Uncertain significance for Immunodeficiency 78 with autoimmunity and developmental delay. Last evaluated: 2022-04-13. Review status: criteria provided, single submitter. Criteria: ACMG Guidelines, 2015. Collection method: clinical testing. Allele origin: unknown.

Literature cited by the submitters: PubMed 30533531 (cited by Mayo Clinic Laboratories, Mayo Clinic).